The following is an entry in ClinVar:

ClinVar aggregate classification (germline): Conflicting classifications of pathogenicity. Review status: criteria provided, conflicting classifications (1 of 4 stars). 4 submissions from 4 submitters: Uncertain significance (3); Likely benign (1). Last evaluated 2026-08-28.

Conditions:
Hereditary cancer-predisposing syndrome. Also called: Hereditary Cancer Syndrome; Neoplastic Syndromes, Hereditary; Hereditary neoplastic syndrome; Tumor predisposition. Identifiers: Orphanet 140162, MedGen C0027672, MeSH D009386, MONDO:0015356.
Breast-ovarian cancer, familial, susceptibility to, 2 (BROVCA2). Also called: BRCA2 Hereditary Breast and Ovarian Cancer. Identifiers: Orphanet 145, MedGen C2675520, MONDO:0012933, OMIM 612555. Disease mechanism: loss of function.
Hereditary breast ovarian cancer syndrome. Also called: Breast and ovarian cancer; Hereditary breast and ovarian cancer syndrome; Hereditary breast and ovarian cancer syndrome (HBOC); Hereditary breast and ovarian cancer; Hereditary breast and/or ovarian cancer syndrome; BRCA1- and BRCA2-Associated Hereditary Breast and Ovarian Cancer. Identifiers: Orphanet 145, MedGen C0677776, MeSH D061325, MONDO:0003582. Disease mechanism: loss of function.

Allele frequency attached by ClinVar (database versions not stated): 1000 Genomes Project 30x 0.00016; 1000 Genomes Project 0.00020; gnomAD exomes below 0.00001; gnomAD 0.00001; ExAC 0.00001.

Submissions (4):

Ambry Genetics
Classification: Uncertain significance for Hereditary cancer-predisposing syndrome. Last evaluated: 2026-08-28. Review status: criteria provided, single submitter. Criteria: Ambry Variant Classification Scheme 2023. Collection method: clinical testing. Allele origin: germline.
Comment: The p.G1122E variant (also known as c.3365G>A), located in coding exon 10 of the BRCA2 gene, results from a G to A substitution at nucleotide position 3365. The glycine at codon 1122 is replaced by glutamic acid, an amino acid with similar properties. This amino acid position is highly conserved in available vertebrate species. In addition, the in silico prediction for this alteration is inconclusive. Based on the available evidence, the clinical significance of this variant remains unclear.

Labcorp Genetics (formerly Invitae), Labcorp
Classification: Uncertain significance for Hereditary breast ovarian cancer syndrome. Last evaluated: 2026-01-19. Review status: criteria provided, single submitter. Criteria: Invitae Variant Classification Sherloc (09022015). Collection method: clinical testing. Allele origin: germline.
Comment: This sequence change replaces glycine, which is neutral and non-polar, with glutamic acid, which is acidic and polar, at codon 1122 of the BRCA2 protein (p.Gly1122Glu). This variant is present in population databases (rs532871047, gnomAD 0.007%). This variant has not been reported in the literature in individuals affected with BRCA2-related conditions. ClinVar contains an entry for this variant (Variation ID: 1429298). Invitae Evidence Modeling of protein sequence and biophysical properties (such as structural, functional, and spatial information, amino acid conservation, physicochemical variation, residue mobility, and thermodynamic stability) indicates that this missense variant is not expected to disrupt BRCA2 protein function with a negative predictive value of 95%. In summary, the available evidence is currently insufficient to determine the role of this variant in disease. Therefore, it has been classified as a Variant of Uncertain Significance.

All of Us Research Program, National Institutes of Health
Classification: Uncertain significance for Breast-ovarian cancer, familial, susceptibility to, 2. Last evaluated: 2023-06-08. Review status: criteria provided, single submitter. Criteria: ACMG Guidelines, 2015. Collection method: clinical testing. Allele origin: germline. Inheritance: Autosomal dominant inheritance. Observed: 1 variant allele, 1 heterozygote.
Comment: This missense variant replaces glycine with glutamic acid at codon 1122 of the BRCA2 protein. Computational prediction suggests that this variant may not impact protein structure and function (internally defined REVEL score threshold <= 0.5, PMID: 27666373). To our knowledge, functional studies have not been reported for this variant. This variant has not been reported in individuals affected with hereditary cancer in the literature. This variant has been identified in 1/249500 chromosomes in the general population by the Genome Aggregation Database (gnomAD). The available evidence is insufficient to determine the role of this variant in disease conclusively. Therefore, this variant is classified as a Variant of Uncertain Significance.

This study involves interpretation of variants in research participants for the purpose of population health screening. Participant phenotype was not available at the time of variant classification. Additional details can be found in publication PMID: 35346344, PMCID: PMC8962531

University of Washington Department of Laboratory Medicine, University of Washington
Classification: Likely benign for Hereditary cancer-predisposing syndrome. Last evaluated: 2023-03-23. Review status: criteria provided, single submitter. Criteria: Dines et al. (Genet Med. 2020). Collection method: curation. Allele origin: germline.
Comment: Missense variant in a coldspot region where missense variants are very unlikely to be pathogenic (PMID:31911673).

BRCA2 exon 11 coldspot. Reclassification based on statistical prior probability.

NM_000059.4(BRCA2):c.3365G>A (p.Gly1122Glu)

Gene: BRCA2 (BRCA2 DNA repair associated; plus strand). Cytogenetic location: 13q13.1.
Variant type: single nucleotide variant.
Coding change: c.3365G>A on transcript NM_000059.4 (MANE Select); coding-DNA position 3365, G replaced by A.
Protein change: p.Gly1122Glu; replaces glycine 1122 with glutamic acid.
Molecular consequence: missense variant.
Genome position (GRCh38, 1-based): chr13:32,337,720, G>A. VCF-style: chr13-32337720-G-A. GRCh37 (hg19) VCF-style: chr13-32911857-G-A.
Other names: c.3365G>A (NM_000059.3); short protein forms G1122E.
Identifiers: ClinVar variation 1429298 (VCV001429298.9), dbSNP rs532871047, ClinGen allele CA6940692.